The following is an entry in ClinVar:

Conditions:
Breast-ovarian cancer, familial, susceptibility to, 1 (BROVCA1). Also called: BRCA1 Hereditary Breast and Ovarian Cancer; OVARIAN CANCER, SUSCEPTIBILITY TO. Identifiers: Orphanet 145, MedGen C2676676, MONDO:0011450, OMIM 604370. Disease mechanism: loss of function.

Submission:

Brotman Baty Institute, University of Washington
No classification provided (evidence only). Condition: Breast-ovarian cancer, familial 1. Review status: no classification provided. Collection method: in vitro. Allele origin: not applicable. Functional consequence: functionally_normal.
ClinVar note: "not provided" was previously submitted as the classification for the variant. However, the classification appeared to be based only on an observation of functional data so it was converted to no classification on 2025-07-30.

NM_007294.4(BRCA1):c.263A>G (p.Lys88Arg)

Gene: BRCA1 (BRCA1 DNA repair associated; minus strand). Cytogenetic location: 17q21.31.
Variant type: single nucleotide variant.
Coding change: c.263A>G on transcript NM_007294.4 (MANE Select); coding-DNA position 263, A replaced by G.
Protein change: p.Lys88Arg; replaces lysine 88 with arginine.
Molecular consequence: missense variant. On other transcripts: non-coding transcript variant (1).
Genome position (GRCh38, 1-based): chr17:43,104,906, T>C on the plus strand (A>G on the coding strand, the complement: BRCA1 is on the minus strand). VCF-style: chr17-43104906-T-C. GRCh37 (hg19) VCF-style: chr17-41256923-T-C.
Other names: c.263A>G, p.Lys88Arg (NM_001408446.1, NM_001408447.1, NM_001408448.1 and 168 more transcripts); c.131A>G, p.Lys44Arg (NM_001408451.1); c.122A>G, p.Lys41Arg (NM_001408452.1, NM_001408453.1, NM_001408454.1 and 99 more transcripts); c.185A>G, p.Lys62Arg (NM_001408474.1, NM_001408475.1, NM_001408476.1 and 21 more transcripts); c.53A>G, p.Lys18Arg (NM_001408478.1, NM_001408479.1, NM_001408480.1 and 58 more transcripts); c.-119A>G (NM_001407959.1, NM_001407960.1, NM_001407962.1 and 4 more transcripts); short protein forms K41R, K88R, K18R, K62R, K44R.
Identifiers: ClinVar variation 868329 (VCV000868329.3), dbSNP rs2054681969, ClinGen allele CA10601629.
Genomic context (GRCh38, chr17:43,104,906, plus strand): 5'-TCTTGGGATATTCAACACTTACACTCCAAACCTGTGTCAAGCTGAAAAGCACAAATGATT[T>C]TCAATAGCTCTTCAACAAGTTGACTAAATCTCGTACTTTCTTGTAGGCTCCTGAAATTAA-3'
Protein context (NP_009225.1, residues 78-98): RFSQLVEELL[Lys88Arg]IICAFQLDTG